The following is an entry in ClinVar:

ClinVar aggregate classification (germline): Uncertain significance (1 of 4 stars; one submission).

Conditions:
GPR143-related disorder. Also called: GPR143-related condition.

Submission:

PreventionGenetics, part of Exact Sciences
Classification: Uncertain significance for GPR143-related condition. Last evaluated: 2023-05-09. Review status: criteria provided, single submitter. Criteria: ACMG Guidelines, 2015. Collection method: clinical testing. Allele origin: germline.
Comment: The GPR143 c.17T>G variant is predicted to result in the amino acid substitution p.Leu6Arg. To our knowledge, this variant has not been reported in the literature or in a large population database, indicating this variant is rare. A different substitution of this amino acid (p.Leu6Pro) has been reported in an individual with ocular albinism (Jia et al. 2017. PubMed ID: 28339057). Although we suspect that this c.17T>G (p.Leu6Arg) variant is pathogenic, at this time, the clinical significance of this variant is uncertain due to the absence of conclusive functional and genetic evidence.

NM_000273.3(GPR143):c.17T>G (p.Leu6Arg)

Gene: GPR143 (G protein-coupled receptor 143; minus strand). Cytogenetic location: Xp22.2.
Variant type: single nucleotide variant.
Coding change: c.17T>G on transcript NM_000273.3 (MANE Select); coding-DNA position 17, T replaced by G.
Protein change: p.Leu6Arg; replaces leucine 6 with arginine.
Molecular consequence: missense variant.
Genome position (GRCh38, 1-based): chrX:9,765,801, A>C on the plus strand (T>G on the coding strand, the complement: GPR143 is on the minus strand). VCF-style: chrX-9765801-A-C. GRCh37 (hg19) VCF-style: chrX-9733841-A-C.
Other names: short protein forms L6R.
Identifiers: ClinVar variation 2634501 (VCV002634501.1), dbSNP rs2518642474, ClinGen allele CA412001043.
Genomic context (GRCh38, chrX:9,765,801, plus strand): 5'-GGCTGGAAGCTCAGCACGAGCTGCGTGGCTGCGTCCCGCGTGGGGCAGCAGAAGGTCCCT[A>C]GGCGCGGGGAGGCCATGGGCTGTGTTCGCGGACGCGGCTCGGGTGTGCCAGGACCCCGCC-3'
Protein context (NP_000264.2, residues 1-16): MASPR[Leu6Arg]GTFCCPTRDA